The following is an entry in ClinVar:

NM_017934.7(PHIP):c.4469A>G (p.Asn1490Ser)

Genes: IRAK1BP1 (interleukin 1 receptor associated kinase 1 binding protein 1; plus strand), PHIP (PHIP subunit of CUL4-Ring ligase complex; minus strand). Cytogenetic location: 6q14.1.
Variant type: single nucleotide variant.
Coding change: c.4469A>G on transcript NM_017934.7 (MANE Select); coding-DNA position 4469, A replaced by G.
Protein change: p.Asn1490Ser; replaces asparagine 1490 with serine.
Molecular consequence: missense variant.
Genome position (GRCh38, 1-based): chr6:78,946,162, T>C on the plus strand (A>G on the coding strand, the complement: PHIP is on the minus strand). VCF-style: chr6-78946162-T-C. GRCh37 (hg19) VCF-style: chr6-79655879-T-C.
Other names: c.4469A>G (NM_017934.6); short protein forms N1490S.
Identifiers: ClinVar variation 2159430 (VCV002159430.5), dbSNP rs759078097, ClinGen allele CA3899439.

ClinVar aggregate classification (germline): Benign. Review status: criteria provided, single submitter (1 of 4 stars). 2 submissions from 2 submitters: Benign (1). 1 of the submissions does not count toward it. Last evaluated 2026-01-19.

Conditions:
PHIP-related disorder. Also called: PHIP-related condition; PHIP-related disorders.

Allele frequency attached by ClinVar (database versions not stated): ExAC 0.00002; gnomAD exomes 0.00002; TOPMed 0.00002; gnomAD 0.00003.
gnomAD v4.1: 33 of 1,613,928 alleles (0.002%); highest among the groups gnomAD compares: East Asian, 0.025%; 1 homozygote.

Submissions (2):

Labcorp Genetics (formerly Invitae), Labcorp
Classification: Benign. Last evaluated: 2026-01-19. Review status: criteria provided, single submitter. Criteria: Invitae Variant Classification Sherloc (09022015). Collection method: clinical testing. Allele origin: germline.

PreventionGenetics, part of Exact Sciences
Classification: Uncertain significance for PHIP-related condition. Last evaluated: 2024-09-19. Review status: no assertion criteria provided. Collection method: clinical testing. Allele origin: germline. Not counted in ClinVar's aggregate classification.
Comment: The PHIP c.4469A>G variant is predicted to result in the amino acid substitution p.Asn1490Ser. This variant was reported in an individual with autism spectrum disorder and was maternally inherited (Additional File 5, Data 3, Guo et al. 2018. PubMed ID: 30564305). This variant is reported in 0.020% of alleles in individuals of East Asian descent in gnomAD. Although we suspect that this variant may be benign, at this time, the clinical significance of this variant is uncertain due to the absence of conclusive functional and genetic evidence.